The following is an entry in ClinVar:

ClinVar aggregate classification (germline): Uncertain significance. Review status: criteria provided, multiple submitters, no conflicts (2 of 4 stars). 6 submissions from 6 submitters: Uncertain significance (6). Last evaluated 2026-02-24.

Conditions:
Cardiovascular phenotype. Identifiers: MedGen CN230736.
Rare disease with thoracic aortic aneurysm and aortic dissection. Identifiers: Orphanet 285014, MedGen C5681014, MONDO:0017311.
Osteogenesis imperfecta type I (OI1). Also called: Lobstein disease; Lobstein's Disease; Classic Non-deforming Osteogenesis Imperfecta with Blue Sclerae; Osteogenesis imperfecta type 1; OI, TYPE I; OSTEOGENESIS IMPERFECTA TARDA. Identifiers: Orphanet 216796, Orphanet 666, MedGen C0023931, MONDO:0008146, OMIM 166200. Disease mechanism: loss of function.
Ehlers-Danlos syndrome, classic type, 1 (EDSCL1). Also called: Ehlers-Danlos syndrome, type 1; EHLERS-DANLOS SYNDROME, GRAVIS TYPE; EHLERS-DANLOS SYNDROME, SEVERE CLASSIC TYPE; Ehlers-Danlos Syndrome, Classic Type, COL5A1-Related; EDS I. Identifiers: MedGen C0268335, MONDO:0019567, OMIM 130000.

gnomAD v4.1: 13 of 1,613,974 alleles (0.00081%); highest among the groups gnomAD compares: Non-Finnish European, 0.0011%; no homozygotes.

Submissions (6):

Ambry Genetics
Classification: Uncertain significance for Cardiovascular phenotype. Last evaluated: 2026-02-24. Review status: criteria provided, single submitter. Criteria: Ambry Variant Classification Scheme 2023. Collection method: clinical testing. Allele origin: germline.
Comment: The c.3430A>C (p.N1144H) alteration is located in exon 49 (coding exon 49) of the COL1A2 gene. This alteration results from a A to C substitution at nucleotide position 3430, causing the asparagine (N) at amino acid position 1144 to be replaced by a histidine (H). Based on data from gnomAD, the C allele has an overall frequency of <0.001% (1/250952) total alleles studied. The highest observed frequency was 0.001% (1/113286) of European (non-Finnish) alleles. Based on insufficient or conflicting evidence, the clinical significance of this alteration remains unclear.

GeneDx
Classification: Uncertain significance. Last evaluated: 2025-06-06. Review status: criteria provided, single submitter. Criteria: GeneDx Variant Classification Process June 2021. Collection method: clinical testing. Allele origin: germline. Affected: yes.
Comment: Has not been previously published as pathogenic or benign to our knowledge; Not observed at significant frequency in large population cohorts (gnomAD); In silico analysis suggests that this missense variant does not alter protein structure/function; Not located in the triple helical region, where the majority of pathogenic missense variants occur (HGMD)

Labcorp Genetics (formerly Invitae), Labcorp
Classification: Uncertain significance for Osteogenesis imperfecta type I; Ehlers-Danlos syndrome, classic type, 1. Last evaluated: 2025-05-26. Review status: criteria provided, single submitter. Criteria: Invitae Variant Classification Sherloc (09022015). Collection method: clinical testing. Allele origin: germline.
Comment: This sequence change replaces asparagine, which is neutral and polar, with histidine, which is basic and polar, at codon 1144 of the COL1A2 protein (p.Asn1144His). This variant is present in population databases (no rsID available, gnomAD 0.0009%). This variant has not been reported in the literature in individuals affected with COL1A2-related conditions. ClinVar contains an entry for this variant (Variation ID: 1060166). Invitae Evidence Modeling of protein sequence and biophysical properties (such as structural, functional, and spatial information, amino acid conservation, physicochemical variation, residue mobility, and thermodynamic stability) indicates that this missense variant is not expected to disrupt COL1A2 protein function with a negative predictive value of 95%. In summary, the available evidence is currently insufficient to determine the role of this variant in disease. Therefore, it has been classified as a Variant of Uncertain Significance.

Blueprint Genetics
Classification: Uncertain significance. Last evaluated: 2024-10-17. Review status: criteria provided, single submitter. Criteria: ACMG Guidelines, 2015. Collection method: clinical testing. Allele origin: germline.

Petrovsky National Research Centre of Surgery, The Federal Agency for Scientific Organizations
Classification: Uncertain significance for Rare disease with thoracic aortic aneurysm and aortic dissection. Last evaluated: 2023-06-28. Review status: criteria provided, single submitter. Criteria: ACMG Guidelines, 2015. Collection method: clinical testing. Allele origin: germline. Affected: yes.
Comment: This variant is in The Genome Aggregation Database (gnomAD) v2.1.1 with total MAF 0.000003985 (Date of access 28-06-2023). Clinvar contains entry on this variant (Variation ID: 1060166). This variant has not been reported in any study to our knowledge. Most in silico predictors are inconclusive in the results. In accordance with ACMG(2015) criteria this variant is classified as Variant of Uncertain Significance (VUS) with following criteria selected: PM2.

CeGaT Center for Human Genetics Tuebingen
Classification: Uncertain significance. Last evaluated: 2022-01-01. Review status: criteria provided, single submitter. Criteria: CeGaT Center For Human Genetics Tuebingen Variant Classification Criteria Version 2. Collection method: clinical testing. Allele origin: germline. Affected: yes. Observed: 1 variant allele.

NM_000089.4(COL1A2):c.3430A>C (p.Asn1144His)

Gene: COL1A2 (collagen type I alpha 2 chain; plus strand). Cytogenetic location: 7q21.3.
Variant type: single nucleotide variant.
Coding change: c.3430A>C on transcript NM_000089.4 (MANE Select); coding-DNA position 3430, A replaced by C.
Protein change: p.Asn1144His; replaces asparagine 1144 with histidine.
Molecular consequence: missense variant.
Genome position (GRCh38, 1-based): chr7:94,427,789, A>C. VCF-style: chr7-94427789-A-C. GRCh37 (hg19) VCF-style: chr7-94057101-A-C.
Other names: p.Asn1144His; c.3430A>C (NM_000089.3); short protein forms N1144H.
Identifiers: ClinVar variation 1060166 (VCV001060166.44), dbSNP rs374282276, ClinGen allele CA368225952.
Genomic context (GRCh38, chr7:94,427,789, plus strand): 5'-TCAGCACCTTCTCTCAGACCCAAGGACTATGAAGTTGATGCTACTCTGAAGTCTCTCAAC[A>C]ACCAGATTGAGACCCTTCTTACTCCTGAAGGCTCTAGAAAGAACCCAGCTCGCACATGCC-3'
Protein context (NP_000080.2, residues 1134-1154): EVDATLKSLN[Asn1144His]QIETLLTPEG